The following is an entry in ClinVar:

NM_001845.6(COL4A1):c.2022G>C (p.Arg674Ser)

Gene: COL4A1 (collagen type IV alpha 1 chain; minus strand). Cytogenetic location: 13q34.
Variant type: single nucleotide variant.
Coding change: c.2022G>C on transcript NM_001845.6 (MANE Select); coding-DNA position 2022, G replaced by C.
Protein change: p.Arg674Ser; replaces arginine 674 with serine.
Molecular consequence: missense variant.
Genome position (GRCh38, 1-based): chr13:110,183,066, C>G on the plus strand (G>C on the coding strand, the complement: COL4A1 is on the minus strand). VCF-style: chr13-110183066-C-G. GRCh37 (hg19) VCF-style: chr13-110835413-C-G.
Other names: c.2022G>C (NM_001845.4); short protein forms R674S.
Identifiers: ClinVar variation 2038690 (VCV002038690.30), dbSNP rs755517991, ClinGen allele CA7047739.
Genomic context (GRCh38, chr13:110,183,066, plus strand): 5'-GGGCCCTGGAAATCCAATGCCTGGCTGGCCCACAGCGCCCTTCTCTCCTGGCAGGCCTGG[C>G]CTTCCTGGGGTTCCGGGAAAGCCTCGGTCTCCTGTGGTGAGAAAGACCAACAGTCAGCGT-3'
Protein context (NP_001836.3, residues 664-684): GDRGFPGTPG[Arg674Ser]PGLPGEKGAV

ClinVar aggregate classification (germline): Conflicting classifications of pathogenicity. Review status: criteria provided, conflicting classifications (1 of 4 stars). 4 submissions from 4 submitters: Uncertain significance (1); Likely benign (3). Last evaluated 2025-07-14.

gnomAD v4.1: 70 of 1,613,178 alleles (0.0043%); highest among the groups gnomAD compares: Middle Eastern, 0.066%; no homozygotes.

Submissions (4):

GeneDx
Classification: Uncertain significance. Last evaluated: 2025-07-14. Review status: criteria provided, single submitter. Criteria: GeneDx Variant Classification Process June 2021. Collection method: clinical testing. Allele origin: germline.
Comment: Occurs in the triple helical domain at the X position in the canonical Gly-X-Y repeat; although this variant may have an effect on normal protein folding and function, missense substitution at the X position is not a common mechanism of disease; In silico analysis suggests that this missense variant does not alter protein structure/function; This variant is associated with the following publications: (PMID: 32799327)

Labcorp Genetics (formerly Invitae), Labcorp
Classification: Likely benign. Last evaluated: 2024-12-31. Review status: criteria provided, single submitter. Criteria: Invitae Variant Classification Sherloc (09022015). Collection method: clinical testing. Allele origin: germline.

Blueprint Genetics
Classification: Likely benign. Last evaluated: 2024-11-07. Review status: criteria provided, single submitter. Criteria: ACMG Guidelines, 2015. Collection method: clinical testing. Allele origin: germline.

CeGaT Center for Human Genetics Tuebingen
Classification: Likely benign. Last evaluated: 2023-11-01. Review status: criteria provided, single submitter. Criteria: CeGaT Center For Human Genetics Tuebingen Variant Classification Criteria Version 2. Collection method: clinical testing. Allele origin: germline. Affected: yes. Observed: 1 variant allele.
Comment: COL4A1: BS1